The following is an entry in ClinVar:

NM_002880.4(RAF1):c.977A>T (p.Glu326Val)

Gene: RAF1 (Raf-1 proto-oncogene, serine/threonine kinase; minus strand). Cytogenetic location: 3p25.2.
Variant type: single nucleotide variant.
Coding change: c.977A>T on transcript NM_002880.4 (MANE Select); coding-DNA position 977, A replaced by T.
Protein change: p.Glu326Val; replaces glutamic acid 326 with valine.
Molecular consequence: missense variant. On other transcripts: non-coding transcript variant (3).
Genome position (GRCh38, 1-based): chr3:12,600,165, T>A on the plus strand (A>T on the coding strand, the complement: RAF1 is on the minus strand). VCF-style: chr3-12600165-T-A. GRCh37 (hg19) VCF-style: chr3-12641664-T-A.
Other names: c.1037A>T, p.Glu346Val (NM_001354689.3); c.977A>T, p.Glu326Val (NM_001354690.3); c.734A>T, p.Glu245Val (NM_001354691.3, NM_001354692.3); c.878A>T, p.Glu293Val (NM_001354693.3); c.794A>T, p.Glu265Val (NM_001354694.3); c.635A>T, p.Glu212Val (NM_001354695.3); short protein forms E212V, E245V, E265V, E293V, E326V, E346V.
Identifiers: ClinVar variation 3391753 (VCV003391753.1).

ClinVar aggregate classification (germline): Uncertain significance (1 of 4 stars; one submission).

gnomAD v4.1: 2 of 1,614,170 alleles (0.00012%); highest among the groups gnomAD compares: Non-Finnish European, 0.000085%; no homozygotes.

Submission:

GeneDx
Classification: Uncertain significance. Last evaluated: 2024-06-18. Review status: criteria provided, single submitter. Criteria: GeneDx Variant Classification Process June 2021. Collection method: clinical testing. Allele origin: germline. Affected: yes.
Comment: Has not been previously published as pathogenic or benign to our knowledge; Not observed at significant frequency in large population cohorts (gnomAD); In silico analysis supports that this missense variant has a deleterious effect on protein structure/function; Missense variants in this gene are a common cause of disease and they are underrepresented in the general population